The following is an entry in ClinVar:

NM_004715.5(CTDP1):c.213G>C (p.Gly71=)

Gene: CTDP1 (CTD phosphatase 1; plus strand). Cytogenetic location: 18q23.
Variant type: single nucleotide variant.
Coding change: c.213G>C on transcript NM_004715.5 (MANE Select); coding-DNA position 213, G replaced by C.
Protein change: p.Gly71=; no amino-acid change (glycine 71 retained).
Molecular consequence: synonymous variant.
Genome position (GRCh38, 1-based): chr18:79,680,160, G>C. VCF-style: chr18-79680160-G-C. GRCh37 (hg19) VCF-style: chr18-77440160-G-C.
Other names: p.Gly71=; c.213G>C, p.Gly71= (NM_001318511.2, NM_048368.4).
Identifiers: ClinVar variation 193291 (VCV000193291.45), dbSNP rs201234471, ClinGen allele CA200475.

ClinVar aggregate classification (germline): Benign/Likely benign. Review status: criteria provided, multiple submitters, no conflicts (2 of 4 stars). 8 submissions from 8 submitters: Benign (3); Likely benign (3). 2 of the submissions do not count toward it. Last evaluated 2026-09-01.

Allele frequency attached by ClinVar (database versions not stated): ExAC 0.00090; 1000 Genomes Project 0.00260; 1000 Genomes Project 30x 0.00328; gnomAD exomes 0.00376; TOPMed 0.00739; gnomAD 0.00797 and 0.00821.
gnomAD v4.1: 14,843 of 1,395,114 alleles (1.1%); highest among the groups gnomAD compares: Non-Finnish European, 1.2%; 82 homozygotes.

Submissions (8):

CeGaT Center for Human Genetics Tuebingen
Classification: Benign. Last evaluated: 2026-09-01. Review status: criteria provided, single submitter. Criteria: CeGaT Center For Human Genetics Tuebingen Variant Classification Criteria Version 2. Collection method: clinical testing. Allele origin: germline. Affected: yes. Observed: 43 variant alleles.
Comment: CTDP1: BP4, BP7, BS1, BS2

Labcorp Genetics (formerly Invitae), Labcorp
Classification: Likely benign. Last evaluated: 2026-02-04. Review status: criteria provided, single submitter. Criteria: Invitae Variant Classification Sherloc (09022015). Collection method: clinical testing. Allele origin: germline.

Blueprint Genetics
Classification: Likely benign. Last evaluated: 2024-11-28. Review status: criteria provided, single submitter. Criteria: ACMG Guidelines, 2015. Collection method: clinical testing. Allele origin: germline.

Mayo Clinic Laboratories, Mayo Clinic
Classification: Benign. Last evaluated: 2024-07-26. Review status: criteria provided, single submitter. Criteria: ACMG Guidelines, 2015. Collection method: clinical testing. Allele origin: germline. Observed: 51 variant alleles.
Comment: BS1, BS2, BP4, BP7

GeneDx
Classification: Likely benign. Last evaluated: 2021-06-25. Review status: criteria provided, single submitter. Criteria: GeneDx Variant Classification Process June 2021. Collection method: clinical testing. Allele origin: germline. Affected: yes.

Eurofins Ntd Llc (ga)
Classification: Benign. Last evaluated: 2015-02-09. Review status: criteria provided, single submitter. Criteria: EGL Classification Definitions 2015. Collection method: clinical testing. Allele origin: germline. Observed: 2 variant alleles, 2 heterozygotes.

Clinical Genetics DNA and cytogenetics Diagnostics Lab, Erasmus MC, Erasmus Medical Center
Classification: Likely benign. Review status: no assertion criteria provided. Collection method: clinical testing. Allele origin: germline. Affected: yes. Study: VKGL Data-share Consensus. Not counted in ClinVar's aggregate classification.

Clinical Genetics, Academic Medical Center
Classification: Likely benign. Review status: no assertion criteria provided. Collection method: clinical testing. Allele origin: germline. Affected: yes. Study: VKGL Data-share Consensus. Not counted in ClinVar's aggregate classification.